The following is an entry in ClinVar:

NM_006031.6(PCNT):c.1768C>T (p.Leu590=)

Gene: PCNT (pericentrin; plus strand). Cytogenetic location: 21q22.3.
Variant type: single nucleotide variant.
Coding change: c.1768C>T on transcript NM_006031.6 (MANE Select); coding-DNA position 1768, C replaced by T.
Protein change: p.Leu590=; no amino-acid change (leucine 590 retained).
Molecular consequence: synonymous variant.
Genome position (GRCh38, 1-based): chr21:46,355,458, C>T. VCF-style: chr21-46355458-C-T. GRCh37 (hg19) VCF-style: chr21-47775373-C-T.
Other names: c.1414C>T, p.Leu472= (NM_001315529.2).
Identifiers: ClinVar variation 3356785 (VCV003356785.1).
Genomic context (GRCh38, chr21:46,355,458, plus strand): 5'-CGAGCGAGGTAGCTTGGCTCACTAACGTGCTTGTCCCACGTGGTTTCTCTGTAGGAGAGC[C>T]TGCCACGCTTCCAGGCGGAGTTAGAAGAAAGCCACAGGCACCAGCTGGAAGCGCTGGAGT-3'
Protein context (NP_006022.3, residues 580-600): ELEPERHKES[Leu590=]PRFQAELEES

ClinVar aggregate classification (germline): Likely benign (0 of 4 stars; one submission).

Conditions:
PCNT-related disorder. Also called: PCNT-related condition.

gnomAD v4.1: 3 of 1,613,826 alleles (0.00019%); highest among the groups gnomAD compares: Non-Finnish European, 0.00025%; no homozygotes.

Submission:

PreventionGenetics, part of Exact Sciences
Classification: Likely benign for PCNT-related condition. Last evaluated: 2023-01-25. Review status: no assertion criteria provided. Collection method: clinical testing. Allele origin: germline.
Comment: This variant is classified as likely benign based on ACMG/AMP sequence variant interpretation guidelines (Richards et al. 2015 PMID: 25741868, with internal and published modifications).